The following continues an entry in ClinVar:

NM_000059.4(BRCA2):c.7628A>G (p.Tyr2543Cys)

Gene: BRCA2. ClinVar aggregate classification (germline): Conflicting classifications of pathogenicity. Uncertain significance (16); Likely benign (2).

Submissions 8 to 21 of 21:

All of Us Research Program, National Institutes of Health
Classification: Uncertain significance for BRCA2-related cancer predisposition. Last evaluated: 2024-05-30. Review status: criteria provided, single submitter. Criteria: ACMG Guidelines, 2015. Collection method: clinical testing. Allele origin: germline. Inheritance: Autosomal dominant inheritance. Observed: 5 variant alleles, 5 heterozygotes.
Comment: This missense variant replaces tyrosine with cysteine at codon 2543 of the BRCA2 protein. Computational prediction is inconclusive regarding the impact of this variant on protein structure and function (internally defined REVEL score threshold 0.5 < inconclusive < 0.7, PMID: 27666373). A functional study reported that this variant impacts BRCA2 function in the rescue of BRCA2-deficient cells in cell viability after mitomycin C treatment and G2/M cell cycle arrest (PMID: 31721781). This variant has been reported in at least five individuals affected with breast cancer (PMID: 30199306, 33471991; Leiden Open Variation Database DB-ID BRCA2_006703, 33773534) and an individual affected with childhood T-cell acute lymphoblastic leukemia (PMID: 31721781). This variant has been identified in 8/250888 chromosomes in the general population by the Genome Aggregation Database (gnomAD). The available evidence is insufficient to determine the role of this variant in disease conclusively. Therefore, this variant is classified as a Variant of Uncertain Significance.

This study involves interpretation of variants in research participants for the purpose of population health screening. Participant phenotype was not available at the time of variant classification. Additional details can be found in publication PMID: 35346344, PMCID: PMC8962531

Color Diagnostics, LLC DBA Color Health
Classification: Uncertain significance for Hereditary cancer-predisposing syndrome. Last evaluated: 2024-05-13. Review status: criteria provided, single submitter. Criteria: ACMG Guidelines, 2015. Collection method: clinical testing. Allele origin: germline.
Comment: This missense variant replaces tyrosine with cysteine at codon 2543 of the BRCA2 protein. Computational prediction is inconclusive regarding the impact of this variant on protein structure and function. A functional study reported that this variant impacts BRCA2 function in the rescue of BRCA2-deficient cells in cell viability after mitomycin C treatment and G2/M cell cycle arrest (PMID: 31721781). This variant has been reported in at least five individuals affected with breast cancer (PMID: 30199306, 33471991; Leiden Open Variation Database DB-ID BRCA2_006703, 33773534, 35864222) and an individual affected with childhood T-cell acute lymphoblastic leukemia (PMID: 31721781). This variant has been identified in 8/250888 chromosomes in the general population by the Genome Aggregation Database (gnomAD). The available evidence is insufficient to determine the role of this variant in disease conclusively. Therefore, this variant is classified as a Variant of Uncertain Significance.

GeneDx
Classification: Uncertain significance. Last evaluated: 2023-12-31. Review status: criteria provided, single submitter. Criteria: GeneDx Variant Classification Process June 2021. Collection method: clinical testing. Allele origin: germline. Affected: yes.
Comment: Observed in individuals with a personal history of breast or ovarian cancer (PMID: 30199306, 34271787, 33471991); Published functional studies are inconclusive: proficient binding to DSS1, increased relative mRNA expression and radial chromosome formation similar to wildtype, but reduced relative viability of cells following treatment with mitomycin C (PMID: 30696104, 31721781); In silico analysis supports that this missense variant does not alter protein structure/function; Also known as 7856A>G; This variant is associated with the following publications: (PMID: 30696104, 31721781, 34271787, 33773534, 30199306, 33471991, 12228710, 32720237, Al-AliA2023[preprint])

Baylor Genetics
Classification: Uncertain significance for Familial cancer of breast. Last evaluated: 2023-10-04. Review status: criteria provided, single submitter. Criteria: ACMG Guidelines, 2015. Collection method: clinical testing. Allele origin: unknown.

KCCC/NGS Laboratory, Kuwait Cancer Control Center
Classification: Uncertain significance for Breast-ovarian cancer, familial, susceptibility to, 2. Last evaluated: 2023-06-06. Review status: criteria provided, single submitter. Criteria: ACMG Guidelines, 2015. Collection method: clinical testing. Allele origin: germline. Affected: yes.
Comment: a point mutation in the BRCA2 gene (c.7628A>G (p.Tyr2543Cys)) which results in the substitution of cysteine for tyrosine at amino acid position 2543. This mutation is considered as a variant of uncertain significance.

CHEO Genetics Diagnostic Laboratory, Children's Hospital of Eastern Ontario
Classification: Uncertain significance for Breast and/or ovarian cancer. Last evaluated: 2022-09-16. Review status: criteria provided, single submitter. Criteria: ACMG Guidelines, 2015. Collection method: clinical testing. Allele origin: germline.

Sema4
Classification: Uncertain significance for Hereditary cancer-predisposing syndrome. Last evaluated: 2022-02-17. Review status: criteria provided, single submitter. Criteria: Sema4 Curation Guidelines. Collection method: curation. Allele origin: germline.
Comment: The BRCA2 c.7628A>G (p.Y2543C) variant has been reported in heterozygosity in at least seven individuals with breast cancer (PMID: 30199306, 33773534, 33471991). Functional studies have shown that this variant does not alter mRNA expression, DSS1 binding, or radial formation after mitomycin C exposure; however, it has been shown to affect viability after mitomycin C exposure and G2M arrest time after melphalan exposure (PMID: 30696104, 31721781). It was observed in 6/30596 chromosomes of the South Asian subpopulation in the large and broad cohorts of the Genome Aggregation Database (PMID: 32461654). The variant has been reported in ClinVar (Variation ID 96855). In silico predictions of the variant's effect on protein function are inconclusive. The evidence is insufficient to meet ACMG/AMP criteria for classifying the variant as benign or pathogenic. Thus, the clinical significance of this variant is currently uncertain.

Genetics and Molecular Pathology, SA Pathology
Classification: Uncertain significance for Breast-ovarian cancer, familial, susceptibility to, 2. Last evaluated: 2021-02-04. Review status: criteria provided, single submitter. Criteria: ACMG Guidelines, 2015. Collection method: clinical testing. Allele origin: germline.

Fulgent Genetics
Classification: Uncertain significance for Familial cancer of breast; Medulloblastoma; Familial prostate cancer; Wilms tumor 1; Fanconi anemia complementation group D1; Breast-ovarian cancer, familial, susceptibility to, 2; Glioma susceptibility 3; Pancreatic cancer, susceptibility to, 2. Last evaluated: 2018-10-31. Review status: criteria provided, single submitter. Criteria: ACMG Guidelines, 2015. Collection method: clinical testing. Allele origin: unknown.

Fulgent Genetics
Classification: Uncertain significance for Breast-ovarian cancer, familial, susceptibility to, 2. Last evaluated: 2016-02-08. Review status: criteria provided, single submitter. Criteria: ACMG Guidelines, 2015. Collection method: clinical testing. Allele origin: unknown.

Genetic Services Laboratory, University of Chicago
Classification: Uncertain significance. Last evaluated: 2015-10-22. Review status: criteria provided, single submitter. Criteria: ACMG Guidelines, 2015. Collection method: clinical testing. Allele origin: germline. Affected: no.

Department of Medical and Surgical Sciences, University of Bologna
Classification: Likely benign for Breast-ovarian cancer, familial, susceptibility to, 2. Last evaluated: 2023-09-01. Review status: no assertion criteria provided. Collection method: clinical testing. Allele origin: germline. Affected: yes. Not counted in ClinVar's aggregate classification.
Comment: BS1(Supporting)+BP4(Supporting) according to ACMG/AMP classification guidelines specified for BRCA1 & BRCA2 (Classification Criteria V1.0.0 2023-09-08) (PMID: 38160042)

Counsyl
Classification: Uncertain significance for Breast-ovarian cancer, familial, susceptibility to, 2. Last evaluated: 2016-09-06. Review status: no assertion criteria provided. Collection method: clinical testing. Allele origin: unknown. Not counted in ClinVar's aggregate classification.

Sharing Clinical Reports Project (SCRP)
Classification: Uncertain significance for Breast-ovarian cancer, familial 2. Last evaluated: 2012-05-01. Review status: no assertion criteria provided. Collection method: clinical testing. Allele origin: germline. Not counted in ClinVar's aggregate classification.

Literature cited by the submitters: PubMed 30199306 (cited by 7 submitters); PubMed 30696104 (cited by 5 submitters); PubMed 31721781 (cited by 6 submitters); PubMed 33773534 (cited by 6 submitters); PubMed 37306523 (cited by 3 submitters); PubMed 40257527 (cited by Women's Health and Genetics/Laboratory Corporation of America, LabCorp); PubMed 35864222 (cited by 4 submitters); PubMed 33471991 (cited by 4 submitters); PubMed 32720237 (cited by Quest Diagnostics Nichols Institute San Juan Capistrano and Ambry Genetics); PubMed 31853058 (cited by Quest Diagnostics Nichols Institute San Juan Capistrano); PubMed 39779848 (cited by Quest Diagnostics Nichols Institute San Juan Capistrano).